The following is an entry in ClinVar:

ClinVar aggregate classification (germline): Uncertain significance (1 of 4 stars; one submission).

Conditions:
Bethlem myopathy 1A. Also called: Bethlem myopathy 1; MYOPATHY, BENIGN CONGENITAL, WITH CONTRACTURES; Bethlem Muscular Dystrophy. Identifiers: Orphanet 610, MedGen CN029274, MONDO:0024530, OMIM 158810.

Submission:

Labcorp Genetics (formerly Invitae), Labcorp
Classification: Uncertain significance for Bethlem myopathy 1A. Last evaluated: 2022-12-19. Review status: criteria provided, single submitter. Criteria: Invitae Variant Classification Sherloc (09022015). Collection method: clinical testing. Allele origin: germline.
Comment: This variant is not present in population databases (gnomAD no frequency). In summary, the available evidence is currently insufficient to determine the role of this variant in disease. Therefore, it has been classified as a Variant of Uncertain Significance. Experimental studies and prediction algorithms are not available or were not evaluated, and the functional significance of this variant is currently unknown. This variant has not been reported in the literature in individuals affected with COL6A3-related conditions. This variant, c.8928_8929ins24, results in the insertion of 8 amino acid(s) of the COL6A3 protein (p.Lys2976_Pro2977ins8), but otherwise preserves the integrity of the reading frame.

NM_004369.4(COL6A3):c.8928_8929insGCAGCTGCCACCAAGCCAGCCAAA (p.Lys2976_Pro2977insAlaAlaAlaThrLysProAlaLys)

Gene: COL6A3 (collagen type VI alpha 3 chain; minus strand). Cytogenetic location: 2q37.3.
Variant type: Insertion.
Coding change: c.8928_8929insGCAGCTGCCACCAAGCCAGCCAAA on transcript NM_004369.4 (MANE Select); coding-DNA positions 8928 to 8929, GCAGCTGCCACCAAGCCAGCCAAA inserted.
Protein change: p.Lys2976_Pro2977insAlaAlaAlaThrLysProAlaLys.
Genome position: GRCh38 VCF-style: chr2-237336171-G-GTTTGGCTGGCTTGGTGGCAGCTGC. GRCh37 (hg19) VCF-style: chr2-238244814-G-GTTTGGCTGGCTTGGTGGCAGCTGC.
Other names: c.7107_7108insGCAGCTGCCACCAAGCCAGCCAAA, p.Lys2369_Pro2370insAlaAlaAlaThrLysProAlaLys (NM_057166.5); c.8310_8311insGCAGCTGCCACCAAGCCAGCCAAA, p.Lys2770_Pro2771insAlaAlaAlaThrLysProAlaLys (NM_057167.4).
Identifiers: ClinVar variation 2820015 (VCV002820015.3), dbSNP rs2469791772, ClinGen allele CA2739278491.